The following is an entry in ClinVar:

NM_000044.6(AR):c.2678C>T (p.Pro893Leu)

Gene: AR (androgen receptor; plus strand). Cytogenetic location: Xq12.
Variant type: single nucleotide variant.
Coding change: c.2678C>T on transcript NM_000044.6 (MANE Select); coding-DNA position 2678, C replaced by T.
Protein change: p.Pro893Leu; replaces proline 893 with leucine.
Molecular consequence: missense variant.
Genome position (GRCh38, 1-based): chrX:67,723,756, C>T. VCF-style: chrX-67723756-C-T. GRCh37 (hg19) VCF-style: chrX-66943598-C-T.
Other names: c.1082C>T, p.Pro361Leu (NM_001011645.3); c.2678C>T (NM_000044.2); short protein forms P893L, P361L.
Identifiers: ClinVar variation 654813 (VCV000654813.15), dbSNP rs1602280356, ClinGen allele CA413428312.

ClinVar aggregate classification (germline): Pathogenic/Likely pathogenic. Review status: criteria provided, multiple submitters, no conflicts (2 of 4 stars). 5 submissions from 5 submitters: Pathogenic (4); Likely pathogenic (1). Last evaluated 2024-10-29.

Conditions:
Androgen resistance syndrome (AIS). Also called: ANDROGEN RECEPTOR DEFICIENCY; DIHYDROTESTOSTERONE RECEPTOR DEFICIENCY; Androgen insensitivity syndrome; Androgen insensitivity, complete; Androgen insensitivity syndrome due to coactivator deficiency; Androgen insensitivity. Identifiers: Orphanet 754, Orphanet 99429, MedGen C0039585, MONDO:0019154, OMIM 300068. Disease mechanism: loss of function.
AR-related disorders.
Kennedy disease (SMAX1). Also called: SPINAL AND BULBAR MUSCULAR ATROPHY, X-LINKED 1; KENNEDY SPINAL AND BULBAR MUSCULAR ATROPHY; Spinal and Bulbar Muscular Atrophy. Identifiers: Orphanet 481, MedGen C1839259, MONDO:0010735, OMIM 313200.

Submissions (5):

Labcorp Genetics (formerly Invitae), Labcorp
Classification: Pathogenic for Kennedy disease; Androgen resistance syndrome. Last evaluated: 2024-10-29. Review status: criteria provided, single submitter. Criteria: Invitae Variant Classification Sherloc (09022015). Collection method: clinical testing. Allele origin: germline.
Comment: This sequence change replaces proline, which is neutral and non-polar, with leucine, which is neutral and non-polar, at codon 893 of the AR protein (p.Pro893Leu). This variant is not present in population databases (gnomAD no frequency). This missense change has been observed in individual(s) with complete androgen insensitivity syndrome (PMID: 15925895, 25674389, 29785970). ClinVar contains an entry for this variant (Variation ID: 654813). Invitae Evidence Modeling of protein sequence and biophysical properties (such as structural, functional, and spatial information, amino acid conservation, physicochemical variation, residue mobility, and thermodynamic stability) indicates that this missense variant is expected to disrupt AR protein function with a positive predictive value of 95%. This variant disrupts the p.Pro893 amino acid residue in AR. Other variant(s) that disrupt this residue have been observed in individuals with AR-related conditions (PMID: 10221770), which suggests that this may be a clinically significant amino acid residue. For these reasons, this variant has been classified as Pathogenic.

Blueprint Genetics
Classification: Pathogenic for AR-related disorders. Last evaluated: 2024-10-11. Review status: criteria provided, single submitter. Criteria: ACMG Guidelines, 2015. Collection method: clinical testing. Allele origin: germline. Affected: yes. Observed: 1 variant allele.

3billion
Classification: Pathogenic for Androgen resistance syndrome. Last evaluated: 2024-08-02. Review status: criteria provided, single submitter. Criteria: ACMG Guidelines, 2015. Collection method: clinical testing. Allele origin: germline. Affected: yes.
Comment: The variant is not observed in the gnomAD v4.0.0 dataset. Predicted Consequence/Location: Missense variant In silico tool predictions suggest damaging effect of the variant on gene or gene product [REVEL: 0.97 (>=0.6, sensitivity 0.68 and specificity 0.92); 3Cnet: 0.39 (>=0.6, sensitivity 0.72 and precision 0.9)]. The same nucleotide change resulting in the same amino acid change has been previously reported as pathogenic/likely pathogenic with strong evidence (ClinVar ID: VCV000654813). The variant has been observed in at least two similarly affected unrelated individuals (PMID: 25674389, 29785970). A different missense change at the same codon (p.Pro893Ser) has been reported to be associated with AR related disorder (ClinVar ID: VCV002925682 /PMID: 10221770). Therefore, this variant is classified as Pathogenic according to the recommendation of ACMG/AMP guideline.

GeneDx
Classification: Pathogenic. Last evaluated: 2023-12-18. Review status: criteria provided, single submitter. Criteria: GeneDx Variant Classification Process June 2021. Collection method: clinical testing. Allele origin: germline. Affected: yes.
Comment: Not observed at significant frequency in large population cohorts (gnomAD); Missense variants in this gene are a common cause of disease and they are underrepresented in the general population; In silico analysis supports that this missense variant has a deleterious effect on protein structure/function; This variant is associated with the following publications: (PMID: 25674389, 10404311, 15925895, 23044881, 26522496, 29785970, 32345305, 35047615)

Revvity Omics, Revvity
Classification: Likely pathogenic. Last evaluated: 2021-07-10. Review status: criteria provided, single submitter. Criteria: ACMG Guidelines, 2015. Collection method: clinical testing. Allele origin: germline.

Literature cited by the submitters: PubMed 15925895 (cited by Labcorp Genetics (formerly Invitae), Labcorp); PubMed 25674389 (cited by Labcorp Genetics (formerly Invitae), Labcorp and 3billion); PubMed 29785970 (cited by Labcorp Genetics (formerly Invitae), Labcorp and 3billion); PubMed 10221770 (cited by Labcorp Genetics (formerly Invitae), Labcorp and 3billion).